The following is an entry in ClinVar:

ClinVar aggregate classification (germline): Pathogenic (1 of 4 stars; one submission).

Conditions:
Primary ciliary dyskinesia. Also called: Ciliary dyskinesia. Identifiers: Orphanet 244, MedGen C0008780, MONDO:0016575, HP:0012265.

Submission:

Labcorp Genetics (formerly Invitae), Labcorp
Classification: Pathogenic for Primary ciliary dyskinesia. Last evaluated: 2022-05-13. Review status: criteria provided, single submitter. Criteria: Invitae Variant Classification Sherloc (09022015). Collection method: clinical testing. Allele origin: germline.
Comment: This sequence change creates a premature translational stop signal (p.Gln1102*) in the DNAH5 gene. It is expected to result in an absent or disrupted protein product. Loss-of-function variants in DNAH5 are known to be pathogenic (PMID: 11788826, 16627867). For these reasons, this variant has been classified as Pathogenic. Algorithms developed to predict the effect of sequence changes on RNA splicing suggest that this variant may disrupt the consensus splice site. This variant has not been reported in the literature in individuals affected with DNAH5-related conditions. This variant is present in population databases (rs774143246, gnomAD 0.0009%).

Literature cited by the submitters: PubMed 11788826; PubMed 16627867.

NM_001369.3(DNAH5):c.3304C>T (p.Gln1102Ter)

Genes: DNAH5-AS1 (DNAH5 antisense RNA 1; plus strand), DNAH5 (dynein axonemal heavy chain 5; minus strand). Cytogenetic location: 5p15.2.
Variant type: single nucleotide variant.
Coding change: c.3304C>T on transcript NM_001369.3 (MANE Select); coding-DNA position 3304, C replaced by T.
Protein change: p.Gln1102Ter; replaces glutamine 1102 with a stop codon.
Molecular consequence: nonsense.
Genome position (GRCh38, 1-based): chr5:13,876,776, G>A on the plus strand (C>T on the coding strand, the complement: DNAH5 is on the minus strand). VCF-style: chr5-13876776-G-A. GRCh37 (hg19) VCF-style: chr5-13876885-G-A.
Other names: short protein forms Q1102*.
Identifiers: ClinVar variation 2184117 (VCV002184117.4), dbSNP rs774143246, ClinGen allele CA3204315.